The following is an entry in ClinVar:

NM_005765.3(ATP6AP2):c.445G>T (p.Val149Phe)

Gene: ATP6AP2 (ATPase H+ transporting accessory protein 2; plus strand). Cytogenetic location: Xp11.4.
Variant type: single nucleotide variant.
Coding change: c.445G>T on transcript NM_005765.3 (MANE Select); coding-DNA position 445, G replaced by T.
Protein change: p.Val149Phe; replaces valine 149 with phenylalanine.
Molecular consequence: missense variant.
Genome position (GRCh38, 1-based): chrX:40,597,575, G>T. VCF-style: chrX-40597575-G-T. GRCh37 (hg19) VCF-style: chrX-40456827-G-T.
Other names: short protein forms V149F.
Identifiers: ClinVar variation 3602365 (VCV003602365.1).

ClinVar aggregate classification (germline): Uncertain significance (1 of 4 stars; one submission).

Submission:

GeneDx
Classification: Uncertain significance. Last evaluated: 2024-07-29. Review status: criteria provided, single submitter. Criteria: GeneDx Variant Classification Process June 2021. Collection method: clinical testing. Allele origin: germline. Affected: yes.
Comment: Not observed at significant frequency in large population cohorts (gnomAD); In silico analysis indicates that this missense variant does not alter protein structure/function; Has not been previously published as pathogenic or benign to our knowledge